The following is an entry in ClinVar:

NM_001211.6(BUB1B):c.1411A>G (p.Thr471Ala)

Gene: BUB1B (BUB1 mitotic checkpoint serine/threonine kinase B; plus strand). Cytogenetic location: 15q15.1.
Variant type: single nucleotide variant.
Coding change: c.1411A>G on transcript NM_001211.6 (MANE Select); coding-DNA position 1411, A replaced by G.
Protein change: p.Thr471Ala; replaces threonine 471 with alanine.
Molecular consequence: missense variant.
Genome position (GRCh38, 1-based): chr15:40,200,253, A>G. VCF-style: chr15-40200253-A-G. GRCh37 (hg19) VCF-style: chr15-40492454-A-G.
Other names: short protein forms T471A.
Identifiers: ClinVar variation 2450833 (VCV002450833.3), dbSNP rs2542555941, ClinGen allele CA391689591.
Genomic context (GRCh38, chr15:40,200,253, plus strand): 5'-AGCATTTTCTGGATGGGAGGGACATTGATTTTGTTTATTTAATGCAAACAGCAAGAAGAG[A>G]CGATGCCTACAAAGGAGACAACTAAACTGCAAATTGCTTCCGAGTCTCAGAAAATACCAG-3'
Protein context (NP_001202.5, residues 461-481): QERTGDQQEE[Thr471Ala]MPTKETTKLQ

ClinVar aggregate classification (germline): Uncertain significance (1 of 4 stars; one submission).

Conditions:
Inborn genetic diseases. Identifiers: MedGen C0950123, MeSH D030342.

Submission:

Ambry Genetics
Classification: Uncertain significance for Inborn genetic diseases. Last evaluated: 2025-04-16. Review status: criteria provided, single submitter. Criteria: Ambry Variant Classification Scheme 2023. Collection method: clinical testing. Allele origin: germline.
Comment: The p.T471A variant (also known as c.1411A>G), located in coding exon 11 of the BUB1B gene, results from an A to G substitution at nucleotide position 1411. The threonine at codon 471 is replaced by alanine, an amino acid with similar properties. This amino acid position is conserved. In addition, this alteration is predicted to be tolerated by in silico analysis. Since supporting evidence is limited at this time, the clinical significance of this alteration remains unclear.